The following is an entry in ClinVar:

NM_000135.4(FANCA):c.2424T>C (p.Pro808=)

Gene: FANCA (FA complementation group A; minus strand). Cytogenetic location: 16q24.3.
Variant type: single nucleotide variant.
Coding change: c.2424T>C on transcript NM_000135.4 (MANE Select); coding-DNA position 2424, T replaced by C.
Protein change: p.Pro808=; no amino-acid change (proline 808 retained).
Molecular consequence: synonymous variant.
Genome position (GRCh38, 1-based): chr16:89,769,917, A>G on the plus strand (T>C on the coding strand, the complement: FANCA is on the minus strand). VCF-style: chr16-89769917-A-G. GRCh37 (hg19) VCF-style: chr16-89836325-A-G.
Other names: c.2424T>C (NM_000135.3); c.2424T>C, p.Pro808= (NM_001286167.3).
Identifiers: ClinVar variation 2141181 (VCV002141181.6), dbSNP rs2544195835, ClinGen allele CA497379550.
Genomic context (GRCh38, chr16:89,769,917, plus strand): 5'-ATCCCTCGTCCTACAGGTCAGGAGGCTGTCAAAGAGCGCAGGGACAGGAAGGCCAGCACC[A>G]GGTGCAGGAGGACCCACATCCACCTCTGGGAGCGCAGACCTGGACTCACCCAGGTGCACG-3'
Protein context (NP_000126.2, residues 798-818): LPEVDVGPPA[Pro808=]GAGLPVPALF

ClinVar aggregate classification (germline): Conflicting classifications of pathogenicity. Review status: criteria provided, conflicting classifications (1 of 4 stars). 3 submissions from 3 submitters: Uncertain significance (1); Likely benign (2). Last evaluated 2025-05-24.

Conditions:
Fanconi anemia (FA). Also called: Fanconi's anemia. Identifiers: Orphanet 84, MedGen C0015625, MeSH D005199, MONDO:0019391.
Inborn genetic diseases. Identifiers: MedGen C0950123, MeSH D030342.

Submissions (3):

Ambry Genetics
Classification: Likely benign for Inborn genetic diseases. Last evaluated: 2025-05-24. Review status: criteria provided, single submitter. Criteria: Ambry Variant Classification Scheme 2023. Collection method: clinical testing. Allele origin: germline.

Labcorp Genetics (formerly Invitae), Labcorp
Classification: Likely benign for Fanconi anemia. Last evaluated: 2024-02-22. Review status: criteria provided, single submitter. Criteria: Invitae Variant Classification Sherloc (09022015). Collection method: clinical testing. Allele origin: germline.

Quest Diagnostics Nichols Institute San Juan Capistrano
Classification: Uncertain significance. Last evaluated: 2022-10-21. Review status: criteria provided, single submitter. Criteria: Quest Diagnostics criteria. Collection method: clinical testing. Allele origin: unknown.
Comment: This variant has not been reported in the published literature. It also has not been reported in large, multi-ethnic general populations. Analysis of this variant using software algorithms for the prediction of the effect of nucleotide changes on splicing yielded predictions that this variant does not affect FANCA mRNA splicing . Based on the available information, we are unable to determine the clinical significance of this variant.